The following is an entry in ClinVar:

ClinVar aggregate classification (germline): Uncertain significance. Review status: criteria provided, multiple submitters, no conflicts (2 of 4 stars). 3 submissions from 3 submitters: Uncertain significance (3). Last evaluated 2026-06-01.

Conditions:
Tumoral calcinosis, hyperphosphatemic, familial, 3. Identifiers: MedGen C4693864, MONDO:0060715, OMIM 617994.

Allele frequency attached by ClinVar (database versions not stated): gnomAD 0.00003; TOPMed 0.00006; ESP Exome Variant Server 0.00008.
gnomAD v4.1: 68 of 1,612,590 alleles (0.0042%); highest among the groups gnomAD compares: Middle Eastern, 0.082%; no homozygotes.

Submissions (3):

CeGaT Center for Human Genetics Tuebingen
Classification: Uncertain significance. Last evaluated: 2026-06-01. Review status: criteria provided, single submitter. Criteria: CeGaT Center For Human Genetics Tuebingen Variant Classification Criteria Version 2. Collection method: clinical testing. Allele origin: germline. Affected: yes. Observed: 1 variant allele.
Comment: KL: PM2, BP4

Labcorp Genetics (formerly Invitae), Labcorp
Classification: Uncertain significance. Last evaluated: 2025-10-06. Review status: criteria provided, single submitter. Criteria: Invitae Variant Classification Sherloc (09022015). Collection method: clinical testing. Allele origin: germline.
Comment: This sequence change replaces leucine, which is neutral and non-polar, with isoleucine, which is neutral and non-polar, at codon 999 of the KL protein (p.Leu999Ile). This variant is present in population databases (rs200295310, gnomAD 0.01%). This variant has not been reported in the literature in individuals affected with KL-related conditions. ClinVar contains an entry for this variant (Variation ID: 883107). Invitae Evidence Modeling of protein sequence and biophysical properties (such as structural, functional, and spatial information, amino acid conservation, physicochemical variation, residue mobility, and thermodynamic stability) indicates that this missense variant is not expected to disrupt KL protein function with a negative predictive value of 80%. In summary, the available evidence is currently insufficient to determine the role of this variant in disease. Therefore, it has been classified as a Variant of Uncertain Significance.

Illumina Laboratory Services, Illumina
Classification: Uncertain significance for Tumoral calcinosis, hyperphosphatemic, familial, 3. Last evaluated: 2018-01-13. Review status: criteria provided, single submitter. Criteria: ICSL Variant Classification Criteria 13 December 2019. Collection method: clinical testing. Allele origin: germline.

NM_004795.4(KL):c.2995C>A (p.Leu999Ile)

Gene: KL (klotho; plus strand). Cytogenetic location: 13q13.1.
Variant type: single nucleotide variant.
Coding change: c.2995C>A on transcript NM_004795.4 (MANE Select); coding-DNA position 2995, C replaced by A.
Protein change: p.Leu999Ile; replaces leucine 999 with isoleucine.
Molecular consequence: missense variant.
Genome position (GRCh38, 1-based): chr13:33,064,142, C>A. VCF-style: chr13-33064142-C-A. GRCh37 (hg19) VCF-style: chr13-33638279-C-A.
Other names: short protein forms L999I.
Identifiers: ClinVar variation 883107 (VCV000883107.11), dbSNP rs200295310, ClinGen allele CA6944420.